The following is an entry in ClinVar:

ClinVar aggregate classification (germline): Uncertain significance (1 of 4 stars; one submission).

Allele frequency attached by ClinVar (database versions not stated): ExAC 0.00001; gnomAD 0.00001; TOPMed 0.00002.
gnomAD v4.1: 1 of 1,614,062 alleles (0.000062%); highest among the groups gnomAD compares: African/African-American, 0.0013%; no homozygotes.

Submission:

Labcorp Genetics (formerly Invitae), Labcorp
Classification: Uncertain significance. Last evaluated: 2022-09-20. Review status: criteria provided, single submitter. Criteria: Invitae Variant Classification Sherloc (09022015). Collection method: clinical testing. Allele origin: germline.
Comment: In summary, the available evidence is currently insufficient to determine the role of this variant in disease. Therefore, it has been classified as a Variant of Uncertain Significance. Advanced modeling of protein sequence and biophysical properties (such as structural, functional, and spatial information, amino acid conservation, physicochemical variation, residue mobility, and thermodynamic stability) performed at Invitae indicates that this missense variant is expected to disrupt IMPG2 protein function. This missense change has been observed in individual(s) with rod-cone dystrophy (Invitae). This variant is present in population databases (rs757193948, gnomAD no frequency). This sequence change replaces aspartic acid, which is acidic and polar, with tyrosine, which is neutral and polar, at codon 837 of the IMPG2 protein (p.Asp837Tyr).

NM_016247.4(IMPG2):c.2509G>T (p.Asp837Tyr)

Gene: IMPG2 (interphotoreceptor matrix proteoglycan 2; minus strand). Cytogenetic location: 3q12.3.
Variant type: single nucleotide variant.
Coding change: c.2509G>T on transcript NM_016247.4 (MANE Select); coding-DNA position 2509, G replaced by T.
Protein change: p.Asp837Tyr; replaces aspartic acid 837 with tyrosine.
Molecular consequence: missense variant.
Genome position (GRCh38, 1-based): chr3:101,243,822, C>A on the plus strand (G>T on the coding strand, the complement: IMPG2 is on the minus strand). VCF-style: chr3-101243822-C-A. GRCh37 (hg19) VCF-style: chr3-100962666-C-A.
Other names: short protein forms D837Y.
Identifiers: ClinVar variation 2048336 (VCV002048336.2), dbSNP rs757193948, ClinGen allele CA2518962.
Genomic context (GRCh38, chr3:101,243,822, plus strand): 5'-CTTGGACTTGCTCAGGCTGATAGTAATCTGTGCCTATCCGGTCCAGTTCTAACGAAATAT[C>A]CTGTACACCCATAATTACTTCATCCTCTAGCAGGGTGGAGATTGTGGTTGGAGGCAATTT-3'
Protein context (NP_057331.2, residues 827-847): LEDEVIMGVQ[Asp837Tyr]ISLELDRIGT